The following is an entry in ClinVar:

NM_001038603.3(MARVELD2):c.511del (p.Thr171fs)

Gene: MARVELD2 (MARVEL domain containing 2; plus strand). Cytogenetic location: 5q13.2.
Variant type: Deletion.
Coding change: c.511del on transcript NM_001038603.3 (MANE Select); coding-DNA position 511, one base deleted (A; older notation c.511delA).
Protein change: p.Thr171fs; shifts the reading frame from threonine 171.
Molecular consequence: frameshift variant.
Genome position (GRCh38, 1-based): chr5:69,419,896, A deleted; the last of 2 consecutive A bases (chr5:69,419,895-69,419,896); deleting either gives the same sequence. VCF-style (leftmost placement, unchanged base first): chr5-69419894-GA-G. GRCh37 (hg19) VCF-style: chr5-68715721-GA-G.
Other names: c.511del, p.Thr171fs (NM_001244734.2); short protein forms T171fs.
Identifiers: ClinVar variation 4850630 (VCV004850630.1).

ClinVar aggregate classification (germline): Likely pathogenic (1 of 4 stars; one submission).

Conditions:
Autosomal recessive nonsyndromic hearing loss 49. Also called: Deafness, neurosensory, autosomal recessive 49. Identifiers: Orphanet 90636, MedGen C1857811, MONDO:0012420, OMIM 610153.

Submission:

First Genomix Gene Laboratory, Genetic Diagnostics Department
Classification: Likely pathogenic for Autosomal recessive nonsyndromic hearing loss 49. Last evaluated: 2025-12-31. Review status: criteria provided, single submitter. Criteria: ACMG Guidelines, 2015. Collection method: clinical testing. Allele origin: germline. Inheritance: Autosomal recessive inheritance. Affected: no. Observed: 1 variant allele.